The following is an entry in ClinVar:

ClinVar aggregate classification (germline): Uncertain significance (1 of 4 stars; one submission).

Conditions:
Amelocerebrohypohidrotic syndrome (KTZS). Also called: EPILEPSY AND YELLOW TEETH; EPILEPSY, DEMENTIA, AND AMELOGENESIS IMPERFECTA; KOHLSCHUTTER SYNDROME; Kohlschutter's syndrome. Identifiers: Orphanet 1946, MedGen C0406740, MONDO:0009185, OMIM 226750.

Submission:

Labcorp Genetics (formerly Invitae), Labcorp
Classification: Uncertain significance for Amelocerebrohypohidrotic syndrome. Last evaluated: 2021-05-19. Review status: criteria provided, single submitter. Criteria: Invitae Variant Classification Sherloc (09022015). Collection method: clinical testing. Allele origin: germline.
Comment: Experimental studies and prediction algorithms are not available or were not evaluated for this variant, and the functional significance of this variant is currently unknown. This variant has not been reported in the literature in individuals with ROGDI-related conditions. This variant is not present in population databases (ExAC no frequency). In summary, the available evidence is currently insufficient to determine the role of this variant in disease. Therefore, it has been classified as a Variant of Uncertain Significance. This variant, c.775_795dup, results in the insertion of 7 amino acid(s) to the ROGDI protein (p.Val259_Leu265dup), but otherwise preserves the integrity of the reading frame.

NM_024589.3(ROGDI):c.775_795dup (p.Val259_Leu265dup)

Gene: ROGDI (rogdi atypical leucine zipper; minus strand). Cytogenetic location: 16p13.3.
Variant type: Duplication.
Coding change: c.775_795dup on transcript NM_024589.3 (MANE Select); coding-DNA positions 775 to 795, 21 bases duplicated (GTCTACTTCACCGTCTCCCTG).
Protein change: p.Val259_Leu265dup.
Molecular consequence: inframe insertion. On other transcripts: non-coding transcript variant (1).
Genome position (GRCh38, 1-based): chr16:4,797,741-4,797,761, CAGGGAGACGGTGAAGTAGAC duplicated on the plus strand (GTCTACTTCACCGTCTCCCTG on the coding strand, the reverse complement: ROGDI is on the minus strand); duplicating any 21 consecutive bases within chr16:4,797,741-4,797,766 gives the same sequence; the c. name uses the placement nearest the transcript's 3' end. VCF-style (leftmost placement, unchanged base first): chr16-4797740-G-GCAGGGAGACGGTGAAGTAGAC. GRCh37 (hg19) VCF-style: chr16-4847741-G-GCAGGGAGACGGTGAAGTAGAC.
Identifiers: ClinVar variation 934929 (VCV000934929.9), dbSNP rs1567596763, ClinGen allele CA620716790.